The following is an entry in ClinVar:

ClinVar aggregate classification (germline): Likely benign (1 of 4 stars; one submission).

Allele frequency attached by ClinVar (database versions not stated): TOPMed 0.00005; gnomAD exomes 0.00005; gnomAD 0.00006; ExAC 0.00002; ESP Exome Variant Server 0.00008.

Submission:

GeneDx
Classification: Likely benign. Last evaluated: 2017-10-12. Review status: criteria provided, single submitter. Criteria: GeneDx Variant Classification (06012015). Collection method: clinical testing. Allele origin: germline. Affected: yes.
Comment: This variant is considered likely benign or benign based on one or more of the following criteria: it is a conservative change, it occurs at a poorly conserved position in the protein, it is predicted to be benign by multiple in silico algorithms, and/or has population frequency not consistent with disease.

NM_025150.4(TARS2):c.-41C>T

Gene: TARS2 (threonyl-tRNA synthetase 2, mitochondrial; plus strand). Cytogenetic location: 1q21.2.
Variant type: single nucleotide variant.
Coding change: c.-41C>T on transcript NM_025150.4; 41 bases upstream of the start codon, C replaced by T.
Genome position (GRCh38, 1-based): chr1:150,487,410, C>T. VCF-style: chr1-150487410-C-T. GRCh37 (hg19) VCF-style: chr1-150459886-C-T.
Identifiers: ClinVar variation 512315 (VCV000512315.3), dbSNP rs375885077, ClinGen allele CA1076538.